The following is an entry in ClinVar:

ClinVar aggregate classification (germline): Uncertain significance. Review status: criteria provided, multiple submitters, no conflicts (2 of 4 stars). 7 submissions from 7 submitters: Uncertain significance (6). 1 of the submissions does not count toward it. Last evaluated 2026-08-12.

Conditions:
Usher syndrome type 1B (USH1B). Also called: Usher syndrome type IB. Identifiers: MedGen C1848638, MONDO:0700087.
MYO7A-related disorder. Also called: MYO7A-related disorders.
Inborn genetic diseases. Identifiers: MedGen C0950123, MeSH D030342.

Allele frequency attached by ClinVar (database versions not stated): TOPMed 0.00010; gnomAD 0.00011 and 0.00010; ESP Exome Variant Server 0.00016; gnomAD exomes 0.00005 and 0.00009; ExAC 0.00006.
gnomAD v4.1: 140 of 1,613,484 alleles (0.0087%); highest among the groups gnomAD compares: Middle Eastern, 0.016%; no homozygotes.

Submissions (7):

PreventionGenetics, part of Exact Sciences
Classification: Uncertain significance for MYO7A-related condition. Last evaluated: 2026-08-12. Review status: criteria provided, single submitter. Criteria: ACMG Guidelines, 2015. Collection method: clinical testing. Allele origin: germline.
Comment: The MYO7A c.2081C>T variant is predicted to result in the amino acid substitution p.Pro694Leu. To our knowledge, this variant has not been reported in the literature. This variant is reported in 0.0097% of alleles in individuals of Ashkenazi Jewish descent in gnomAD. At this time, the clinical significance of this variant is uncertain due to the absence of conclusive functional and genetic evidence.

Labcorp Genetics (formerly Invitae), Labcorp
Classification: Uncertain significance. Last evaluated: 2025-10-18. Review status: criteria provided, single submitter. Criteria: Invitae Variant Classification Sherloc (09022015). Collection method: clinical testing. Allele origin: germline.
Comment: This sequence change replaces proline, which is neutral and non-polar, with leucine, which is neutral and non-polar, at codon 694 of the MYO7A protein (p.Pro694Leu). This variant is present in population databases (rs200057810, gnomAD 0.01%). This variant has not been reported in the literature in individuals affected with MYO7A-related conditions. ClinVar contains an entry for this variant (Variation ID: 623785). Invitae Evidence Modeling of protein sequence and biophysical properties (such as structural, functional, and spatial information, amino acid conservation, physicochemical variation, residue mobility, and thermodynamic stability) has been performed for this missense variant. However, the output from this modeling did not meet the statistical confidence thresholds required to predict the impact of this variant on MYO7A protein function. In summary, the available evidence is currently insufficient to determine the role of this variant in disease. Therefore, it has been classified as a Variant of Uncertain Significance.

Blueprint Genetics
Classification: Uncertain significance. Last evaluated: 2024-09-02. Review status: criteria provided, single submitter. Criteria: ACMG Guidelines, 2015. Collection method: clinical testing. Allele origin: germline.

Ambry Genetics
Classification: Uncertain significance for Inborn genetic diseases. Last evaluated: 2024-07-05. Review status: criteria provided, single submitter. Criteria: Ambry Variant Classification Scheme 2023. Collection method: clinical testing. Allele origin: germline.

GeneDx
Classification: Uncertain significance. Last evaluated: 2024-02-01. Review status: criteria provided, single submitter. Criteria: GeneDx Variant Classification Process June 2021. Collection method: clinical testing. Allele origin: germline. Affected: yes.
Comment: In silico analysis supports that this missense variant has a deleterious effect on protein structure/function; Has not been previously published as pathogenic or benign to our knowledge

CeGaT Center for Human Genetics Tuebingen
Classification: Uncertain significance. Last evaluated: 2018-08-01. Review status: criteria provided, single submitter. Criteria: CeGaT Center For Human Genetics Tuebingen Variant Classification Criteria Version 2. Collection method: clinical testing. Allele origin: germline. Affected: yes. Observed: 1 variant allele.

Natera, Inc.
Classification: Uncertain significance for Usher syndrome type 1B. Last evaluated: 2019-11-11. Review status: no assertion criteria provided. Collection method: clinical testing. Allele origin: germline. Not counted in ClinVar's aggregate classification.

NM_000260.4(MYO7A):c.2081C>T (p.Pro694Leu)

Gene: MYO7A (myosin VIIA; plus strand). Cytogenetic location: 11q13.5.
Variant type: single nucleotide variant.
Coding change: c.2081C>T on transcript NM_000260.4 (MANE Select); coding-DNA position 2081, C replaced by T.
Protein change: p.Pro694Leu; replaces proline 694 with leucine.
Molecular consequence: missense variant.
Genome position (GRCh38, 1-based): chr11:77,174,901, C>T. VCF-style: chr11-77174901-C-T. GRCh37 (hg19) VCF-style: chr11-76885947-C-T.
Other names: c.2081C>T, p.Pro694Leu (NM_001127180.2); c.2048C>T, p.Pro683Leu (NM_001369365.1); short protein forms P694L, P683L.
Identifiers: ClinVar variation 623785 (VCV000623785.52), dbSNP rs200057810, ClinGen allele CA6197679.